The following is an entry in ClinVar:

ClinVar aggregate classification (germline): Uncertain significance (1 of 4 stars; one submission).

Submission:

GeneDx
Classification: Uncertain significance. Last evaluated: 2024-12-03. Review status: criteria provided, single submitter. Criteria: GeneDx Variant Classification Process June 2021. Collection method: clinical testing. Allele origin: germline. Affected: yes.
Comment: In silico analysis indicates that this missense variant does not alter protein structure/function; Has not been previously published as pathogenic or benign to our knowledge

NM_139058.3(ARX):c.1171G>A (p.Ala391Thr)

Gene: ARX (aristaless related homeobox; minus strand). Cytogenetic location: Xp21.3.
Variant type: single nucleotide variant.
Coding change: c.1171G>A on transcript NM_139058.3 (MANE Select); coding-DNA position 1171, G replaced by A.
Protein change: p.Ala391Thr; replaces alanine 391 with threonine.
Molecular consequence: missense variant.
Genome position (GRCh38, 1-based): chrX:25,007,388, C>T on the plus strand (G>A on the coding strand, the complement: ARX is on the minus strand). VCF-style: chrX-25007388-C-T. GRCh37 (hg19) VCF-style: chrX-25025505-C-T.
Other names: short protein forms A391T.
Identifiers: ClinVar variation 3901512 (VCV003901512.1).
Genomic context (GRCh38, chrX:25,007,388, plus strand): 5'-TGAGCGGGTGGGTGGCGGAGAGCGGCCCCGGGAAGGGCAGCCCAGGGGGGTGGGTCTGCG[C>T]GCCTGCCTTCTCCCGCTTGCGCCACTTGGCCCGACGGTTCTGGAACCAGACCTGCAAGGC-3'
Protein context (NP_620689.1, residues 381-401): AKWRKREKAG[Ala391Thr]QTHPPGLPFP